The following is an entry in ClinVar:

NM_002184.4(IL6ST):c.2375G>A (p.Arg792Gln)

Gene: IL6ST (interleukin 6 cytokine family signal transducer; minus strand). Cytogenetic location: 5q11.2.
Variant type: single nucleotide variant.
Coding change: c.2375G>A on transcript NM_002184.4 (MANE Select); coding-DNA position 2375, G replaced by A.
Protein change: p.Arg792Gln; replaces arginine 792 with glutamine.
Molecular consequence: missense variant. On other transcripts: 3 prime UTR variant (1), non-coding transcript variant (2).
Genome position (GRCh38, 1-based): chr5:55,941,464, C>T on the plus strand (G>A on the coding strand, the complement: IL6ST is on the minus strand). VCF-style: chr5-55941464-C-T. GRCh37 (hg19) VCF-style: chr5-55237292-C-T.
Other names: c.2192G>A, p.Arg731Gln (NM_001190981.2); c.2273G>A, p.Arg758Gln (NM_001364275.2); c.2165G>A, p.Arg722Gln (NM_001364276.2); c.1508G>A, p.Arg503Gln (NM_001364277.2); c.1472G>A, p.Arg491Gln (NM_001364278.2); c.1379G>A, p.Arg460Gln (NM_001364279.2); c.*1302G>A (NM_175767.3); short protein forms R758Q, R491Q, R792Q, R460Q, R731Q, R503Q, R722Q.
Identifiers: ClinVar variation 1934249 (VCV001934249.5), dbSNP rs776416568, ClinGen allele CA3271168.

ClinVar aggregate classification (germline): Uncertain significance (1 of 4 stars; one submission).

Allele frequency attached by ClinVar (database versions not stated): gnomAD 0.00001; TOPMed 0.00001; ExAC 0.00002.
gnomAD v4.1: 30 of 1,613,960 alleles (0.0019%); highest among the groups gnomAD compares: Non-Finnish European, 0.0024%; no homozygotes.

Submission:

Labcorp Genetics (formerly Invitae), Labcorp
Classification: Uncertain significance. Last evaluated: 2024-11-11. Review status: criteria provided, single submitter. Criteria: Invitae Variant Classification Sherloc (09022015). Collection method: clinical testing. Allele origin: germline.
Comment: This sequence change replaces arginine, which is basic and polar, with glutamine, which is neutral and polar, at codon 792 of the IL6ST protein (p.Arg792Gln). This variant is present in population databases (rs776416568, gnomAD 0.006%). This variant has not been reported in the literature in individuals affected with IL6ST-related conditions. ClinVar contains an entry for this variant (Variation ID: 1934249). An algorithm developed to predict the effect of missense changes on protein structure and function (PolyPhen-2) suggests that this variant is likely to be disruptive. In summary, the available evidence is currently insufficient to determine the role of this variant in disease. Therefore, it has been classified as a Variant of Uncertain Significance.